The following is an entry in ClinVar:

ClinVar aggregate classification (germline): Pathogenic/Likely pathogenic. Review status: criteria provided, multiple submitters, no conflicts (2 of 4 stars). 7 submissions from 7 submitters: Pathogenic (1); Likely pathogenic (5). 1 of the submissions does not count toward it. Last evaluated 2026-01-20.

Conditions:
UDPglucose-4-epimerase deficiency. Also called: GALACTOSEMIA III; GALE DEFICIENCY; UDP-GALACTOSE-4-EPIMERASE DEFICIENCY; Epimerase Deficiency Galactosemia; Galactose epimerase deficiency; UDPglucose 4-Epimerase Deficiency Disease. Identifiers: Orphanet 352, Orphanet 79238, MedGen C0751161, MONDO:0009257, OMIM 230350.
Thrombocytopenia 13, syndromic. Also called: THROMBOCYTOPENIA, AUTOSOMAL RECESSIVE, 13. Identifiers: MedGen C5935599, MONDO:0958333, OMIM 620776.

Allele frequency attached by ClinVar (database versions not stated): TOPMed 0.00008; gnomAD 0.00003.
gnomAD v4.1: 100 of 1,613,974 alleles (0.0062%); highest among the groups gnomAD compares: East Asian, 0.042%; no homozygotes.

Submissions (7):

Labcorp Genetics (formerly Invitae), Labcorp
Classification: Likely pathogenic for UDPglucose-4-epimerase deficiency. Last evaluated: 2026-01-20. Review status: criteria provided, single submitter. Criteria: Invitae Variant Classification Sherloc (09022015). Collection method: clinical testing. Allele origin: germline.
Comment: This sequence change replaces arginine, which is basic and polar, with tryptophan, which is neutral and slightly polar, at codon 169 of the GALE protein (p.Arg169Trp). This variant is present in population databases (rs137853859, gnomAD 0.05%). This missense change has been observed in individuals with epimerase deficiency galactosemia (PMID: 16301867, 28173647, 38469088). ClinVar contains an entry for this variant (Variation ID: 21171). Invitae Evidence Modeling of protein sequence and biophysical properties (such as structural, functional, and spatial information, amino acid conservation, physicochemical variation, residue mobility, and thermodynamic stability) indicates that this missense variant is not expected to disrupt GALE protein function with a negative predictive value of 80%. In summary, the currently available evidence indicates that the variant is pathogenic, but additional data are needed to prove that conclusively. Therefore, this variant has been classified as Likely Pathogenic.

Fulgent Genetics
Classification: Likely pathogenic for UDPglucose-4-epimerase deficiency; Thrombocytopenia 13, syndromic. Last evaluated: 2024-03-25. Review status: criteria provided, single submitter. Criteria: ACMG Guidelines, 2015. Collection method: clinical testing. Allele origin: germline.

Women's Health and Genetics/Laboratory Corporation of America, LabCorp
Classification: Likely pathogenic for UDPglucose-4-epimerase deficiency. Last evaluated: 2022-04-07. Review status: criteria provided, single submitter. Criteria: LabCorp Variant Classification Summary - May 2015. Collection method: clinical testing. Allele origin: germline.
Comment: Variant summary: GALE c.505C>T (p.Arg169Trp) results in a non-conservative amino acid change located in the NAD(P)-binding domain (IPR016040) of the encoded protein sequence. Five of five in-silico tools predict a damaging effect of the variant on protein function. The variant allele was found at a frequency of 7.2e-05 in 251474 control chromosomes (gnomAD). This frequency is not higher than expected for a pathogenic variant in GALE causing UDPglucose-4-Epimerase Deficiency (7.2e-05 vs 0.0011), allowing no conclusion about variant significance. c.505C>T has been reported in the literature in compound heterozygous individuals affected with peripheral/mild UDPglucose-4-Epimerase Deficiency (Park_2005, Tong_2016). These data indicate that the variant may be associated with disease. At least one publication reports experimental evidence evaluating an impact on protein function. The most pronounced variant effect results in 60% of normal enzyme activity (Bang_2009). Two ClinVar submitters (evaluation after 2014) cite the variant as pathogenic/likely pathogenic. Based on the evidence outlined above, the variant was classified as likely pathogenic.

Laboratorio de Genetica e Diagnostico Molecular, Hospital Israelita Albert Einstein
Classification: Likely pathogenic. Last evaluated: 2019-12-06. Review status: criteria provided, single submitter. Criteria: ACMG Guidelines, 2015. Collection method: clinical testing. Allele origin: germline. Affected: yes.
Comment: ACMG classification criteria: PS4, PM2, PM3, PP3

Eurofins Ntd Llc (ga)
Classification: Pathogenic. Last evaluated: 2014-06-11. Review status: criteria provided, single submitter. Criteria: EGL Classification Definitions 2015. Collection method: clinical testing. Allele origin: germline. Observed: 2 variant alleles, 2 heterozygotes.

Juno Genomics, Hangzhou Juno Genomics, Inc
Classification: Likely pathogenic for UDPglucose-4-epimerase deficiency. Review status: criteria provided, single submitter. Criteria: ACMG Guidelines, 2015. Collection method: clinical testing. Allele origin: germline.
Comment: Absent from controls (or at extremely low frequency if recessive) in Genome Aggregation Database.;Multiple lines of computational evidence support a deleterious effect on the gene or gene product.;For recessive disorders, detected in trans with a pathogenic variant.;Patient's phenotype or family history is highly specific for a disease with a single genetic etiology.

GeneReviews
No classification provided. Condition: UDPglucose-4-epimerase deficiency. Review status: no classification provided. Collection method: literature only. Allele origin: germline. Not counted in ClinVar's aggregate classification.
Comment: Account for 67% of alleles reported in a cohort of asymptomatic Koreans with peripheral epimerase deficiency galactosemia

Literature cited by the submitters: PubMed 16301867 (cited by 4 submitters); PubMed 28173647 (cited by Labcorp Genetics (formerly Invitae), Labcorp); PubMed 38469088 (cited by Labcorp Genetics (formerly Invitae), Labcorp); PubMed 19250319 (cited by Women's Health and Genetics/Laboratory Corporation of America, LabCorp and Eurofins Ntd Llc (ga)); PubMed 26565537 (cited by Women's Health and Genetics/Laboratory Corporation of America, LabCorp).

NM_001008216.2(GALE):c.505C>T (p.Arg169Trp)

Gene: GALE (UDP-galactose-4-epimerase; minus strand). Cytogenetic location: 1p36.11.
Variant type: single nucleotide variant.
Coding change: c.505C>T on transcript NM_001008216.2 (MANE Select); coding-DNA position 505, C replaced by T.
Protein change: p.Arg169Trp; replaces arginine 169 with tryptophan.
Molecular consequence: missense variant.
Genome position (GRCh38, 1-based): chr1:23,797,718, G>A on the plus strand (C>T on the coding strand, the complement: GALE is on the minus strand). VCF-style: chr1-23797718-G-A. GRCh37 (hg19) VCF-style: chr1-24124208-G-A.
Other names: c.505C>T, p.Arg169Trp (NM_000403.4, NM_001127621.2); short protein forms R169W.
Identifiers: ClinVar variation 21171 (VCV000021171.26), dbSNP rs137853859, ClinGen allele CA341697.